The following is an entry in ClinVar:

ClinVar aggregate classification (germline): Benign (1 of 4 stars; one submission).

Conditions:
Familial colorectal cancer type X. Identifiers: Orphanet 440437, MedGen C3896578, MONDO:0018604.

Submission:

Myriad Genetics, Inc.
Classification: Benign for Familial colorectal cancer type X. Last evaluated: 2026-08-03. Review status: criteria provided, single submitter. Criteria: Myriad Autosomal Dominant, Autosomal Recessive and X-Linked Classification Criteria (2023). Collection method: clinical testing. Allele origin: unknown.
Comment: This variant is considered benign. This variant is intronic and is not expected to impact mRNA splicing.

NM_001023.4(RPS20):c.4-26_4-20del

Gene: RPS20 (ribosomal protein S20; minus strand). Cytogenetic location: 8q12.1.
Variant type: Deletion.
Coding change: c.4-26_4-20del on transcript NM_001023.4 (MANE Select); 26 bases into the intron before coding-DNA position 4 through 20 bases into the intron before coding-DNA position 4, 7 bases deleted (GTTCTTT; older notation c.4-26_4-20delGTTCTTT).
Molecular consequence: intron variant.
Genome position (GRCh38, 1-based): chr8:56,074,179-56,074,185, AAAGAAC deleted on the plus strand (GTTCTTT on the coding strand, the reverse complement: RPS20 is on the minus strand); deleting any 7 consecutive bases within chr8:56,074,179-56,074,187 gives the same sequence; the c. name uses the placement nearest the transcript's 3' end. VCF-style (leftmost placement, unchanged base first): chr8-56074178-AAAAGAAC-A. GRCh37 (hg19) VCF-style: chr8-56986737-AAAAGAAC-A.
Other names: c.4-26_4-20del (NM_001146227.3).
Identifiers: ClinVar variation 5042459 (VCV005042459.1).
Genomic context (GRCh38, chr8:56,074,178, plus strand): 5'-CACCTCCGGCTCCACGGGTGTTTTTCCGGTATCCTTAAAAGCCTATTATTAGATACATGA[AAAAGAAC>A]AATAAGCCAAAAATGGTCTGCCACTTCTGGAGAAAGGCAGCTTCCGGAAGCTTCCCGCGT-3'